The following is an entry in ClinVar:

NM_000481.4(AMT):c.286A>T (p.Lys96Ter)

Gene: AMT (aminomethyltransferase; minus strand). Cytogenetic location: 3p21.31.
Variant type: single nucleotide variant.
Coding change: c.286A>T on transcript NM_000481.4 (MANE Select); coding-DNA position 286, A replaced by T.
Protein change: p.Lys96Ter; replaces lysine 96 with a stop codon.
Molecular consequence: nonsense. On other transcripts: non-coding transcript variant (1).
Genome position (GRCh38, 1-based): chr3:49,421,545, T>A on the plus strand (A>T on the coding strand, the complement: AMT is on the minus strand). VCF-style: chr3-49421545-T-A. GRCh37 (hg19) VCF-style: chr3-49458978-T-A.
Other names: c.286A>T, p.Lys96Ter (NM_001164710.2, NM_001164712.2); c.118A>T, p.Lys40Ter (NM_001164711.2); short protein forms K40*, K96*.
Identifiers: ClinVar variation 4818425 (VCV004818425.1).

ClinVar aggregate classification (germline): Likely pathogenic (1 of 4 stars; one submission).

Conditions:
Glycine encephalopathy. Also called: Nonketotic hyperglycinemia; Non-ketotic hyperglycinemia. Identifiers: Orphanet 407, MedGen C0751748, MONDO:0011612, HP:0008288.

Submission:

Natera, Inc.
Classification: Likely pathogenic for Non-ketotic hyperglycinemia. Last evaluated: 2024-05-15. Review status: criteria provided, single submitter. Criteria: Natera Variant Classification Schema (03/2026). Collection method: clinical testing. Allele origin: germline.
Comment: The c.286A>T variant in AMT is a nonsense variant predicted to introduce a stop codon at amino acid 96. This variant is expected to result in nonsense mediated decay, truncation, or a dysfunctional protein product. This variant is rare in the general population with a frequency below the threshold expected for the associated phenotype(s). Given the available evidence, this variant is classified as Likely Pathogenic.